The following is an entry in ClinVar:

NM_000059.4(BRCA2):c.26C>T (p.Pro9Leu)

Gene: BRCA2 (BRCA2 DNA repair associated; plus strand). Cytogenetic location: 13q13.1.
Variant type: single nucleotide variant.
Coding change: c.26C>T on transcript NM_000059.4 (MANE Select); coding-DNA position 26, C replaced by T.
Protein change: p.Pro9Leu; replaces proline 9 with leucine.
Molecular consequence: missense variant.
Genome position (GRCh38, 1-based): chr13:32,316,486, C>T. VCF-style: chr13-32316486-C-T. GRCh37 (hg19) VCF-style: chr13-32890623-C-T.
Other names: short protein forms P9L.
Identifiers: ClinVar variation 51329 (VCV000051329.3), dbSNP rs80358527, ClinGen allele CA016099.

ClinVar aggregate classification (germline): Uncertain significance. Review status: no assertion criteria provided (0 of 4 stars). 2 submissions from 2 submitters: Uncertain significance (2). Last evaluated 2023-09-01.

Conditions:
Breast-ovarian cancer, familial, susceptibility to, 2 (BROVCA2). Also called: BRCA2 Hereditary Breast and Ovarian Cancer. Identifiers: Orphanet 145, MedGen C2675520, MONDO:0012933, OMIM 612555. Disease mechanism: loss of function.

Submissions (2):

Department of Medical and Surgical Sciences, University of Bologna
Classification: Uncertain significance for Breast-ovarian cancer, familial, susceptibility to, 2. Last evaluated: 2023-09-01. Review status: no assertion criteria provided. Collection method: clinical testing. Allele origin: germline. Affected: yes.
Comment: PM2(Supporting) according to ACMG/AMP classification guidelines specified for BRCA1 & BRCA2 (Classification Criteria V1.0.0 2023-09-08) (PMID: 38160042)

Breast Cancer Information Core (BIC) (BRCA2)
Classification: Uncertain significance for Breast-ovarian cancer, familial 2. Last evaluated: 2004-02-20. Review status: no assertion criteria provided. Collection method: clinical testing. Allele origin: germline. Affected: yes. Observed: 1 variant allele.